The following is an entry in ClinVar:

ClinVar aggregate classification (germline): Likely benign (1 of 4 stars; one submission).

Allele frequency attached by ClinVar (database versions not stated): gnomAD exomes below 0.00001.
gnomAD v4.1: 1 of 1,614,266 alleles (0.000062%); highest among the groups gnomAD compares: Non-Finnish European, 0.000085%; no homozygotes.

Submission:

GeneDx
Classification: Likely benign. Last evaluated: 2015-08-10. Review status: criteria provided, single submitter. Criteria: GeneDx Variant Classification (06012015). Collection method: clinical testing. Allele origin: germline. Affected: yes.
Comment: This variant is considered likely benign or benign based on one or more of the following criteria: it is a conservative change, it occurs at a poorly conserved position in the protein, it is predicted to be benign by multiple in silico algorithms, and/or has population frequency not consistent with disease.

NM_015443.4(KANSL1):c.266C>T (p.Ser89Phe)

Gene: KANSL1 (KAT8 regulatory NSL complex subunit 1). Cytogenetic location: 17q21.31.
Variant type: single nucleotide variant.
Coding change: c.266C>T on transcript NM_015443.4 (MANE Select); coding-DNA position 266, C replaced by T.
Protein change: p.Ser89Phe; replaces serine 89 with phenylalanine.
Molecular consequence: missense variant.
Genome position (GRCh38, 1-based): chr17:46,171,878, G>A on the plus strand (C>T on the coding strand, the complement: KANSL1 is on the minus strand). VCF-style: chr17-46171878-G-A. GRCh37 (hg19) VCF-style: chr17-44249244-G-A.
Other names: c.266C>T, p.Ser89Phe (NM_001193465.2, NM_001193466.2, NM_001379198.1); short protein forms S89F.
Identifiers: ClinVar variation 380362 (VCV000380362.1), dbSNP rs1057520835, ClinGen allele CA16607724.
Genomic context (GRCh38, chr17:46,171,878, plus strand): 5'-TTAAGGACTGTCTGCTTGCTGAAGACCCCTTGCAACTTCAAAGACTCCTTTGAGGGAACA[G>A]ATGTTACATCAGAGCAGAGATAAGATGCCACCAGTGGTTGCAGCTTTCCCAAGTCTTCCT-3'
Protein context (NP_056258.1, residues 79-99): VASYLCSDVT[Ser89Phe]VPSKESLKLQ